The following is an entry in ClinVar:

NM_000051.4(ATM):c.2508dup (p.Ser837fs)

Gene: ATM (ATM serine/threonine kinase; plus strand). Cytogenetic location: 11q22.3.
Variant type: Duplication.
Coding change: c.2508dup on transcript NM_000051.4 (MANE Select); coding-DNA position 2508, one base duplicated (A; older notation c.2508dupA).
Protein change: p.Ser837fs; shifts the reading frame from serine 837.
Molecular consequence: frameshift variant.
Genome position (GRCh38, 1-based): chr11:108,267,212, A duplicated; the last of 2 consecutive A bases (chr11:108,267,211-108,267,212); duplicating either gives the same sequence. VCF-style (leftmost placement, unchanged base first): chr11-108267210-G-GA. GRCh37 (hg19) VCF-style: chr11-108137937-G-GA.
Other names: NM_000051.4(ATM):c.2508dup; p.Ser837fs; c.2508dupA (NM_000051.3); c.2508dup, p.Ser837fs (NM_001351834.2); short protein forms S837fs.
Identifiers: ClinVar variation 646712 (VCV000646712.14), dbSNP rs770396940, ClinGen allele CA6265054.

ClinVar aggregate classification (germline): Pathogenic. Review status: reviewed by expert panel (3 of 4 stars). 4 submissions from 4 submitters: Pathogenic (1). 3 of the submissions do not count toward it. Last evaluated 2024-11-26.

Conditions:
ATM-related cancer predisposition. Also called: ATM-related cancer susceptibility. Identifiers: MedGen CN377759, MONDO:0700270.
Hereditary cancer-predisposing syndrome. Also called: Neoplastic Syndromes, Hereditary; Hereditary Cancer Syndrome; Tumor predisposition; Hereditary neoplastic syndrome. Identifiers: Orphanet 140162, MedGen C0027672, MeSH D009386, MONDO:0015356.
Ataxia-telangiectasia syndrome (AT). Also called: LOUIS-BAR SYNDROME; Cerebello-oculocutaneous telangiectasia; Immunodeficiency with ataxia telangiectasia; ATAXIA-TELANGIECTASIA, COMPLEMENTATION GROUP A; ATAXIA-TELANGIECTASIA, FRESNO VARIANT; Ataxia-telangiectasia. Identifiers: Orphanet 100, MedGen C0004135, MONDO:0008840, OMIM 208900.
ATM-related disorder. Also called: ATM-related disorders; ATM-related condition.

Submissions (4):

ClinGen Hereditary Breast, Ovarian and Pancreatic Cancer Variant Curation Expert Panel, ClinGen
Classification: Pathogenic for ATM-related cancer predisposition. Last evaluated: 2024-11-26. Review status: reviewed by expert panel. Criteria: ClinGen HBOP ACMG Specifications ATM V1.3.0. Collection method: curation. Allele origin: germline. Inheritance: Autosomal dominant inheritance.
Comment: The c.2508dup (p.Ser837Ilefs*5) variant in ATM is a frameshift variant predicted to cause a premature stop codon in biologically-relevant-exon leading to nonsense mediated decay in a gene in which loss-of-function is an established disease mechanism. This alteration results in a termination codon upstream of the most C-terminal pathogenic alteration (ATM p.Arg3047*), as classified by the HBOP VCEP, and is expected to be more deleterious. This variant has been detected in 1 individual with Ataxia-Telangiectasia (PMID: 26896183). This variant is absent from gnomAD v.2.1.1. In summary, this variant meets the criteria to be classified as pathogenic for autosomal dominant ATM-related cancer predisposition and autosomal recessive Ataxia-Telangiectasia based on the ACMG/AMP criteria applied, as specified by the HBOP VCEP. (PVS1, PM5_Supporting, PM2_Supporting)

Ambry Genetics
Classification: Pathogenic for Hereditary cancer-predisposing syndrome. Last evaluated: 2025-03-30. Review status: criteria provided, single submitter. Criteria: Ambry Variant Classification Scheme 2023. Collection method: clinical testing. Allele origin: germline. Not counted in ClinVar's aggregate classification.
Comment: The c.2508dupA pathogenic mutation, located in coding exon 16 of the ATM gene, results from a duplication of A at nucleotide position 2508, causing a translational frameshift with a predicted alternate stop codon (p.S837Ifs*5). This variant is considered to be rare based on population cohorts in the Genome Aggregation Database (gnomAD). This alteration is expected to result in loss of function by premature protein truncation or nonsense-mediated mRNA decay. As such, this alteration is interpreted as a disease-causing mutation.

Labcorp Genetics (formerly Invitae), Labcorp
Classification: Pathogenic for Ataxia-telangiectasia syndrome. Last evaluated: 2024-10-21. Review status: criteria provided, single submitter. Criteria: Invitae Variant Classification Sherloc (09022015). Collection method: clinical testing. Allele origin: germline. Not counted in ClinVar's aggregate classification.
Comment: This sequence change creates a premature translational stop signal (p.Ser837Ilefs*5) in the ATM gene. It is expected to result in an absent or disrupted protein product. Loss-of-function variants in ATM are known to be pathogenic (PMID: 23807571, 25614872). This variant is present in population databases (rs770396940, gnomAD 0.0009%). This premature translational stop signal has been observed in individual(s) with ataxia telangiectasia (PMID: 26896183). ClinVar contains an entry for this variant (Variation ID: 646712). For these reasons, this variant has been classified as Pathogenic.

Blueprint Genetics
Classification: Likely pathogenic for ATM-related disorders. Last evaluated: 2024-08-15. Review status: criteria provided, single submitter. Criteria: ACMG Guidelines, 2015. Collection method: clinical testing. Allele origin: germline. Affected: yes. Observed: 1 variant allele. Not counted in ClinVar's aggregate classification.

Literature cited by the submitters: PubMed 23807571 (cited by Labcorp Genetics (formerly Invitae), Labcorp); PubMed 25614872 (cited by Labcorp Genetics (formerly Invitae), Labcorp); PubMed 26896183 (cited by Labcorp Genetics (formerly Invitae), Labcorp).